The following is an entry in ClinVar:

NM_020247.5(COQ8A):c.620C>T (p.Pro207Leu)

Gene: COQ8A (coenzyme Q8A; plus strand). Cytogenetic location: 1q42.13.
Variant type: single nucleotide variant.
Coding change: c.620C>T on transcript NM_020247.5 (MANE Select); coding-DNA position 620, C replaced by T.
Protein change: p.Pro207Leu; replaces proline 207 with leucine.
Molecular consequence: missense variant.
Genome position (GRCh38, 1-based): chr1:226,965,702, C>T. VCF-style: chr1-226965702-C-T. GRCh37 (hg19) VCF-style: chr1-227153403-C-T.
Other names: short protein forms P207L.
Identifiers: ClinVar variation 3256769 (VCV003256769.1).
Genomic context (GRCh38, chr1:226,965,702, plus strand): 5'-CCACAGGTCTCTTTCTCGTCTCCCTCCAGCTCAGCGAGCATGCCCGGGAGCGGAAGGTGC[C>T]TGTGACGAGGATTGGCCGGCTGGCCAACTTCGGAGGTAAGGTGGCTGTGTGCCCCTGGAC-3'
Protein context (NP_064632.2, residues 197-217): LSEHARERKV[Pro207Leu]VTRIGRLANF

ClinVar aggregate classification (germline): Likely pathogenic (0 of 4 stars; one submission).

Conditions:
Autosomal recessive ataxia due to ubiquinone deficiency. Also called: SPINOCEREBELLAR ATAXIA, AUTOSOMAL RECESSIVE 9; Coenzyme Q10 deficiency, primary, 4. Identifiers: Orphanet 139485, MedGen C2677589, MONDO:0012784, OMIM 612016.

Submission:

Solve-RD Consortium
Classification: Likely pathogenic for Autosomal recessive ataxia due to ubiquinone deficiency. Last evaluated: 2022-06-01. Review status: no assertion criteria provided. Collection method: provider interpretation. Allele origin: inherited. Affected: yes.
Comment: Variant confirmed as disease-causing by referring clinical team

Variant identified during reanalysis of unsolved cases by the Solve-RD project. The Solve-RD project has received funding from the European Union’s Horizon 2020 research and innovation programme under grant agreement No 779257.

Literature cited by the submitters: PubMed 39825153.